The following is an entry in ClinVar:

ClinVar aggregate classification (germline): Likely benign. Review status: criteria provided, multiple submitters, no conflicts (2 of 4 stars). 2 submissions from 2 submitters: Likely benign (2). Last evaluated 2018-06-16.

Allele frequency attached by ClinVar (database versions not stated): gnomAD 0.01475 and 0.01567; TOPMed 0.01668; 1000 Genomes Project 30x 0.01827; 1000 Genomes Project 0.01857.
gnomAD v4.1: 3,472 of 839,556 alleles (0.41%); highest among the groups gnomAD compares: African/African-American, 5.1%; 96 homozygotes.

Submissions (2):

GeneDx
Classification: Likely benign. Last evaluated: 2018-06-16. Review status: criteria provided, single submitter. Criteria: GeneDx Variant Classification (06012015). Collection method: clinical testing. Allele origin: germline. Affected: yes.
Comment: This variant is considered likely benign or benign based on one or more of the following criteria: it is a conservative change, it occurs at a poorly conserved position in the protein, it is predicted to be benign by multiple in silico algorithms, and/or has population frequency not consistent with disease.

Breakthrough Genomics
Classification: Likely benign. Review status: criteria provided, single submitter. Criteria: ACMG Guidelines, 2015. Collection method: not provided. Allele origin: germline. Inheritance: Autosomal recessive inheritance. Affected: yes.

NM_002474.3(MYH11):c.2859+154G>A

Gene: MYH11 (myosin heavy chain 11; minus strand). Cytogenetic location: 16p13.11.
Variant type: single nucleotide variant.
Coding change: c.2859+154G>A on transcript NM_002474.3 (MANE Select); 154 bases into the intron after coding-DNA position 2859, G replaced by A.
Molecular consequence: intron variant.
Genome position (GRCh38, 1-based): chr16:15,741,309, C>T on the plus strand (G>A on the coding strand, the complement: MYH11 is on the minus strand). VCF-style: chr16-15741309-C-T. GRCh37 (hg19) VCF-style: chr16-15835166-C-T.
Other names: c.2859+154G>A (NM_022844.3); c.2880+154G>A (NM_001040114.2, NM_001040113.2).
Identifiers: ClinVar variation 676025 (VCV000676025.2), dbSNP rs11861394, ClinGen allele CA278626929.